The following is an entry in ClinVar:

NM_000020.3(ACVRL1):c.1415G>A (p.Trp472Ter)

Gene: ACVRL1 (activin A receptor like type 1; plus strand). Cytogenetic location: 12q13.13.
Variant type: single nucleotide variant.
Coding change: c.1415G>A on transcript NM_000020.3 (MANE Select); coding-DNA position 1415, G replaced by A.
Protein change: p.Trp472Ter; replaces tryptophan 472 with a stop codon.
Molecular consequence: nonsense.
Genome position (GRCh38, 1-based): chr12:51,920,796, G>A. VCF-style: chr12-51920796-G-A. GRCh37 (hg19) VCF-style: chr12-52314580-G-A.
Other names: p.Trp472*; c.1415G>A, p.Trp472Ter (NM_001077401.2); short protein forms W472*.
Identifiers: ClinVar variation 1384566 (VCV001384566.9), dbSNP rs1555154144, ClinGen allele CA324198.
Genomic context (GRCh38, chr12:51,920,796, plus strand): 5'-TGCACCTCTCTCCCAACCCCCAGGTCCTCTCAGGCCTAGCTCAGATGATGCGGGAGTGCT[G>A]GTACCCAAACCCCTCTGCCCGACTCACCGCGCTGCGGATCAAGAAGACACTACAAAAAAT-3'

ClinVar aggregate classification (germline): Pathogenic/Likely pathogenic. Review status: criteria provided, multiple submitters, no conflicts (2 of 4 stars). 4 submissions from 4 submitters: Pathogenic (3); Likely pathogenic (1). Last evaluated 2025-08-24.

Conditions:
Cardiovascular phenotype. Identifiers: MedGen CN230736.
Telangiectasia, hereditary hemorrhagic, type 2 (HHT2). Also called: ACVRL1-Related Hereditary Hemorrhagic Telangiectasia; Telangiectasia, hereditary hemorrhagic, type II. Identifiers: Orphanet 774, MedGen C1838163, MONDO:0010880, OMIM 600376. Disease mechanism: loss of function.

Submissions (4):

Labcorp Genetics (formerly Invitae), Labcorp
Classification: Pathogenic for Telangiectasia, hereditary hemorrhagic, type 2. Last evaluated: 2025-08-24. Review status: criteria provided, single submitter. Criteria: Invitae Variant Classification Sherloc (09022015). Collection method: clinical testing. Allele origin: germline.
Comment: This sequence change creates a premature translational stop signal (p.Trp472*) in the ACVRL1 gene. While this is not anticipated to result in nonsense mediated decay, it is expected to disrupt the last 32 amino acid(s) of the ACVRL1 protein. This variant is not present in population databases (gnomAD no frequency). This variant has not been reported in the literature in individuals affected with ACVRL1-related conditions. ClinVar contains an entry for this variant (Variation ID: 1384566). Algorithms developed to predict the effect of sequence changes on RNA splicing suggest that this variant may disrupt the consensus splice site. This variant disrupts a region of the ACVRL1 protein in which other variant(s) (p.Arg479*) have been determined to be pathogenic (PMID: 15024723, 15065824, 15517393, 15712271, 16429404, 16540754, 18673552, 21158752, 23722869). This suggests that this is a clinically significant region of the protein, and that variants that disrupt it are likely to be disease-causing. For these reasons, this variant has been classified as Pathogenic.

Ambry Genetics
Classification: Pathogenic for Cardiovascular phenotype. Last evaluated: 2023-11-03. Review status: criteria provided, single submitter. Criteria: Ambry Variant Classification Scheme 2023. Collection method: clinical testing. Allele origin: germline.
Comment: The p.W472* pathogenic mutation (also known as c.1415G>A), located in coding exon 9 of the ACVRL1 gene, results from a G to A substitution at nucleotide position 1415. This changes the amino acid from a tryptophan to a stop codon within coding exon 9. This alteration occurs at the 3' terminus of theACVRL1 gene, is not expected to trigger nonsense-mediated mRNA decay, and only impacts the last 6.3% of the protein. However, premature stop codons are typically deleterious in nature, and the impacted region is critical for protein function (Ambry internal data). This mutation has been observed in at least one individual with clinical features of hereditary hemorrhagic telangiectasia (Ambry internal data). This variant is considered to be rare based on population cohorts in the Genome Aggregation Database (gnomAD). Based on the supporting evidence, this alteration is interpreted as a disease-causing mutation.

ARUP Laboratories, Molecular Genetics and Genomics, ARUP Laboratories
Classification: Pathogenic for Telangiectasia, hereditary hemorrhagic, type 2. Last evaluated: 2023-11-02. Review status: criteria provided, single submitter. Criteria: ARUP Molecular Germline Variant Investigation Process 2024. Collection method: clinical testing. Allele origin: germline.
Comment: The ACVRL1 c.1415G>A; p.Trp472Ter variant (rs1555154144) is reported in the literature in an individual with HHT (Baysal 2021). This variant is also reported in ClinVar (Variation ID: 1384566). It is absent from the Genome Aggregation Database, indicating it is not a common polymorphism. This variant results in a premature termination codon in the last exon of the ACVRL1 gene. While this may not lead to nonsense-mediated decay, it is expected to create a truncated protein. Based on available information, this variant is considered to be pathogenic. References: Baysal M et al. A Novel Variant in the ACVRL1 Gene in a Patient with Cirrhosis and Hereditary Hemorrhagic Telangiectasia. Turk J Haematol. 2021 Aug 25;38(3):241-243. PMID: 33754658.

Mayo Clinic Laboratories, Mayo Clinic
Classification: Likely pathogenic. Last evaluated: 2022-03-01. Review status: criteria provided, single submitter. Criteria: ACMG Guidelines, 2015. Collection method: clinical testing. Allele origin: germline. Observed: 1 variant allele.
Comment: PM2_supporting, PS4_supporting, PVS1_strong

Literature cited by the submitters: PubMed 15024723 (cited by Labcorp Genetics (formerly Invitae), Labcorp); PubMed 15065824 (cited by Labcorp Genetics (formerly Invitae), Labcorp); PubMed 15517393 (cited by Labcorp Genetics (formerly Invitae), Labcorp); PubMed 15712271 (cited by Labcorp Genetics (formerly Invitae), Labcorp); PubMed 16429404 (cited by Labcorp Genetics (formerly Invitae), Labcorp); PubMed 16540754 (cited by Labcorp Genetics (formerly Invitae), Labcorp); PubMed 18673552 (cited by Labcorp Genetics (formerly Invitae), Labcorp); PubMed 21158752 (cited by Labcorp Genetics (formerly Invitae), Labcorp); PubMed 23722869 (cited by Labcorp Genetics (formerly Invitae), Labcorp); PubMed 33754658 (cited by Mayo Clinic Laboratories, Mayo Clinic).